The following is an entry in ClinVar:

NM_001002010.5(NT5C3A):c.-5C>A

Gene: NT5C3A (5'-nucleotidase, cytosolic IIIA; minus strand). Cytogenetic location: 7p14.3.
Variant type: single nucleotide variant.
Coding change: c.-5C>A on transcript NM_001002010.5 (MANE Select); 5 bases upstream of the start codon, C replaced by A.
Molecular consequence: 5 prime UTR variant.
Genome position (GRCh38, 1-based): chr7:33,062,710, G>T on the plus strand (C>A on the coding strand, the complement: NT5C3A is on the minus strand). VCF-style: chr7-33062710-G-T. GRCh37 (hg19) VCF-style: chr7-33102322-G-T.
Other names: p.?; c.-162C>A (NM_001002009.3, NM_001374339.1); c.-5C>A (NM_001374335.1, NM_001374338.1); c.-279C>A (NM_001374336.1).
Identifiers: ClinVar variation 4683260 (VCV004683260.1).

ClinVar aggregate classification (germline): Likely benign (1 of 4 stars; one submission).

gnomAD v4.1: 208 of 1,560,112 alleles (0.013%); highest among the groups gnomAD compares: African/African-American, 0.19%; no homozygotes.

Submission:

Mayo Clinic Laboratories, Mayo Clinic
Classification: Likely benign. Last evaluated: 2025-06-24. Review status: criteria provided, single submitter. Criteria: ACMG Guidelines, 2015. Collection method: clinical testing. Allele origin: germline. Observed: 1 variant allele.
Comment: BP4, BP7